The following is an entry in ClinVar:

NM_000059.4(BRCA2):c.3356A>G (p.Glu1119Gly)

Gene: BRCA2 (BRCA2 DNA repair associated; plus strand). Cytogenetic location: 13q13.1.
Variant type: single nucleotide variant.
Coding change: c.3356A>G on transcript NM_000059.4 (MANE Select); coding-DNA position 3356, A replaced by G.
Protein change: p.Glu1119Gly; replaces glutamic acid 1119 with glycine.
Molecular consequence: missense variant. On other transcripts: non-coding transcript variant (1), intron variant (2).
Genome position (GRCh38, 1-based): chr13:32,337,711, A>G. VCF-style: chr13-32337711-A-G. GRCh37 (hg19) VCF-style: chr13-32911848-A-G.
Other names: c.3356A>G, p.Glu1119Gly (NM_001406719.1, NM_001406720.1); c.1909+4324A>G (NM_001406721.1); c.424+6681A>G (NM_001406722.1); short protein forms E1119G.
Identifiers: ClinVar variation 2820889 (VCV002820889.4), dbSNP rs2137495782, ClinGen allele CA387776367.
Genomic context (GRCh38, chr13:32,337,711, plus strand): 5'-CAAACCATAATTTAACACCTAGCCAAAAGGCAGAAATTACAGAACTTTCTACTATATTAG[A>G]AGAATCAGGAAGTCAGTTTGAATTTACTCAGTTTAGAAAACCAAGCTACATATTGCAGAA-3'
Protein context (NP_000050.3, residues 1109-1129): AEITELSTIL[Glu1119Gly]ESGSQFEFTQ

ClinVar aggregate classification (germline): Uncertain significance. Review status: criteria provided, multiple submitters, no conflicts (2 of 4 stars). 2 submissions from 2 submitters: Uncertain significance (2). Last evaluated 2024-03-04.

Conditions:
Hereditary cancer-predisposing syndrome. Also called: Neoplastic Syndromes, Hereditary; Tumor predisposition; Hereditary Cancer Syndrome; Hereditary neoplastic syndrome. Identifiers: Orphanet 140162, MedGen C0027672, MeSH D009386, MONDO:0015356.
Hereditary breast ovarian cancer syndrome. Also called: Hereditary breast and ovarian cancer; BRCA1- and BRCA2-Associated Hereditary Breast and Ovarian Cancer; Hereditary breast and ovarian cancer syndrome; Breast and ovarian cancer; Hereditary breast and ovarian cancer syndrome (HBOC); Hereditary breast and/or ovarian cancer syndrome. Identifiers: Orphanet 145, MedGen C0677776, MeSH D061325, MONDO:0003582. Disease mechanism: loss of function.

Submissions (2):

Ambry Genetics
Classification: Uncertain significance for Hereditary cancer-predisposing syndrome. Last evaluated: 2024-03-04. Review status: criteria provided, single submitter. Criteria: Ambry Variant Classification Scheme 2023. Collection method: clinical testing. Allele origin: germline.
Comment: The p.E1119G variant (also known as c.3356A>G), located in coding exon 10 of the BRCA2 gene, results from an A to G substitution at nucleotide position 3356. The glutamic acid at codon 1119 is replaced by glycine, an amino acid with similar properties. This amino acid position is conserved. In addition, the in silico prediction for this alteration is inconclusive. Based on the available evidence, the clinical significance of this alteration remains unclear.

Labcorp Genetics (formerly Invitae), Labcorp
Classification: Uncertain significance for Hereditary breast ovarian cancer syndrome. Last evaluated: 2023-12-05. Review status: criteria provided, single submitter. Criteria: Invitae Variant Classification Sherloc (09022015). Collection method: clinical testing. Allele origin: germline.
Comment: This sequence change replaces glutamic acid, which is acidic and polar, with glycine, which is neutral and non-polar, at codon 1119 of the BRCA2 protein (p.Glu1119Gly). This variant is not present in population databases (gnomAD no frequency). This variant has not been reported in the literature in individuals affected with BRCA2-related conditions. Advanced modeling of protein sequence and biophysical properties (such as structural, functional, and spatial information, amino acid conservation, physicochemical variation, residue mobility, and thermodynamic stability) performed at Invitae indicates that this missense variant is not expected to disrupt BRCA2 protein function with a negative predictive value of 95%. In summary, the available evidence is currently insufficient to determine the role of this variant in disease. Therefore, it has been classified as a Variant of Uncertain Significance.